The following is an entry in ClinVar:

ClinVar aggregate classification (germline): Uncertain significance (1 of 4 stars; one submission).

Conditions:
Cardiac arrhythmia. Also called: Cardiac rhythm disease; Arrhythmia. Identifiers: MedGen C0003811, MONDO:0007263, HP:0011675.

Submission:

Color Diagnostics, LLC DBA Color Health
Classification: Uncertain significance for Cardiac arrhythmia. Last evaluated: 2024-08-19. Review status: criteria provided, single submitter. Criteria: ACMG Guidelines, 2015. Collection method: clinical testing. Allele origin: germline.
Comment: This variant results in the in-frame deletion of a single amino acid at codon 1130 in the KCNH2 protein. To our knowledge, functional studies have not been reported for this variant. This variant has not been reported in individuals affected with KCNH2-related disorders in the literature. This variant has not been identified in the general population by the Genome Aggregation Database (gnomAD). The available evidence is insufficient to determine the role of this variant in disease conclusively. Therefore, this variant is classified as a Variant of Uncertain Significance.

NM_000238.4(KCNH2):c.3386AAG[1] (p.Glu1130del)

Gene: KCNH2 (potassium voltage-gated channel subfamily H member 2; minus strand). Cytogenetic location: 7q36.1.
Variant type: Microsatellite.
Coding change: c.3386AAG[1] on transcript NM_000238.4 (MANE Select); one copy of the 3-base unit AAG starting at c.3386; the reference has two copies in a row; one copy, 3 bases deleted; also written c.3389_3391del.
Protein change: p.Glu1130del; deletes glutamic acid 1130.
Molecular consequence: non-coding transcript variant (on NR_176254.1).
Genome position (GRCh38, 1-based): chr7:150,945,454-150,945,456, CTT deleted on the plus strand (AAG on the coding strand, the reverse complement: KCNH2 is on the minus strand); deleting any 3 consecutive bases within chr7:150,945,454-150,945,459 gives the same sequence; the position shown is the placement nearest the transcript's 3' end. VCF-style (leftmost placement, unchanged base first): chr7-150945453-CCTT-C. GRCh37 (hg19) VCF-style: chr7-150642541-CCTT-C.
Other names: c.3098AAG[1], p.Glu1034del (NM_001406753.1); c.2366AAG[1], p.Glu790del (NM_172057.3); c.3389_3391del (NM_000238.4); short protein forms E1034del, E1130del, E790del.
Identifiers: ClinVar variation 3894145 (VCV003894145.1).